The following is an entry in ClinVar:

NM_032790.4(ORAI1):c.816G>C (p.Glu272Asp)

Gene: ORAI1 (ORAI calcium release-activated calcium modulator 1; plus strand). Cytogenetic location: 12q24.31.
Variant type: single nucleotide variant.
Coding change: c.816G>C on transcript NM_032790.4 (MANE Select); coding-DNA position 816, G replaced by C.
Protein change: p.Glu272Asp; replaces glutamic acid 272 with aspartic acid.
Molecular consequence: missense variant. On other transcripts: non-coding transcript variant (1).
Genome position (GRCh38, 1-based): chr12:121,641,553, G>C. VCF-style: chr12-121641553-G-C. GRCh37 (hg19) VCF-style: chr12-122079459-G-C.
Other names: short protein forms E272D.
Identifiers: ClinVar variation 2950371 (VCV002950371.3), dbSNP rs2503544720, ClinGen allele CA386984621.

ClinVar aggregate classification (germline): Uncertain significance (1 of 4 stars; one submission).

Conditions:
Myopathy, tubular aggregate, 2 (TAM2). Identifiers: MedGen C4014557, MONDO:0014383, OMIM 615883.
Combined immunodeficiency due to ORAI1 deficiency. Also called: IMMUNODEFICIENCY 9. Identifiers: Orphanet 169090, Orphanet 317428, MedGen C2748568, MONDO:0013007, OMIM 612782.

Submission:

Labcorp Genetics (formerly Invitae), Labcorp
Classification: Uncertain significance for Myopathy, tubular aggregate, 2; Combined immunodeficiency due to ORAI1 deficiency. Last evaluated: 2023-07-27. Review status: criteria provided, single submitter. Criteria: Invitae Variant Classification Sherloc (09022015). Collection method: clinical testing. Allele origin: germline.
Comment: In summary, the available evidence is currently insufficient to determine the role of this variant in disease. Therefore, it has been classified as a Variant of Uncertain Significance. This sequence change replaces glutamic acid, which is acidic and polar, with aspartic acid, which is acidic and polar, at codon 272 of the ORAI1 protein (p.Glu272Asp). This variant is not present in population databases (gnomAD no frequency). This variant has not been reported in the literature in individuals affected with ORAI1-related conditions. Experimental studies and prediction algorithms are not available or were not evaluated, and the functional significance of this variant is currently unknown.